The following is an entry in ClinVar:

ClinVar aggregate classification (germline): Pathogenic (1 of 4 stars; one submission).

Conditions:
CDKL5 disorder. Identifiers: MedGen CN296942, MONDO:0100039.

Submission:

Centre for Population Genomics, CPG
Classification: Pathogenic for CDKL5 disorder. Last evaluated: 2025-01-13. Review status: criteria provided, single submitter. Criteria: McKnight et al. (Hum Mutat. 2022). Collection method: curation. Allele origin: germline. Inheritance: X-linked inheritance.
Comment: This variant has been collected from RettBASE and curated to current modified ACMG/AMP criteria. Based on the classification scheme defined by the ClinGen Rett/Angelman-like Expert Panel for Rett/AS-like Disorders Specifications to the ACMG/AMP Variant Interpretation Guidelines VCEP 3.0, this variant is classified as likely pathogenic. At least the following criteria are met: Predicted to result in loss of function, and LOF is a known mechanism of disease (PVS1). This variant is absent from gnomAD (PM2_Supporting). Has been observed in at least 2 individuals with phenotypes consistent with CDKL5 disorder (PMID: 25657822, 33989939).

NM_001323289.2(CDKL5):c.825+1G>T

Gene: CDKL5 (cyclin dependent kinase like 5; plus strand). Cytogenetic location: Xp22.13.
Variant type: single nucleotide variant.
Coding change: c.825+1G>T on transcript NM_001323289.2 (MANE Select); the canonical splice donor site of the intron after coding-DNA position 825, G replaced by T.
Molecular consequence: splice donor variant.
Genome position (GRCh38, 1-based): chrX:18,595,429, G>T. VCF-style: chrX-18595429-G-T. GRCh37 (hg19) VCF-style: chrX-18613549-G-T.
Other names: NM_003159.3:c.825+1G>T; c.825+1G>T (NM_003159.3, NM_001037343.2).
Identifiers: ClinVar variation 3343991 (VCV003343991.1).
Genomic context (GRCh38, chrX:18,595,429, plus strand): 5'-CAGTCCTTGGAAAGAAGATACCTTGGAATTTTGAATAGTGTTCTACTTGACCTAATGAAG[G>T]TAAGGCCAATTGATATTATCTCTATAAAATGTCTTTTGGTTTGTGGATTCTTTTGTGTCT-3'